The following is an entry in ClinVar:

NM_001267550.2(TTN):c.105370A>C (p.Lys35124Gln)

Genes: TTN (titin; minus strand), TTN-AS1 (TTN antisense RNA 1; plus strand). Cytogenetic location: 2q31.2.
Variant type: single nucleotide variant.
Coding change: c.105370A>C on transcript NM_001267550.2 (MANE Select); coding-DNA position 105370, A replaced by C.
Protein change: p.Lys35124Gln; replaces lysine 35124 with glutamine.
Molecular consequence: missense variant.
Genome position (GRCh38, 1-based): chr2:178,531,245, T>G on the plus strand (A>C on the coding strand, the complement: TTN is on the minus strand). VCF-style: chr2-178531245-T-G. GRCh37 (hg19) VCF-style: chr2-179395972-T-G.
Other names: c.100447A>C, p.Lys33483Gln (NM_001256850.1); c.78175A>C, p.Lys26059Gln (NM_003319.4); c.97666A>C, p.Lys32556Gln (NM_133378.4); c.78550A>C, p.Lys26184Gln (NM_133432.3); c.78751A>C, p.Lys26251Gln (NM_133437.4); short protein forms K33483Q, K35124Q, K26059Q, K26184Q, K26251Q, K32556Q.
Identifiers: ClinVar variation 1418920 (VCV001418920.5), dbSNP rs760487831, ClinGen allele CA60953978.

ClinVar aggregate classification (germline): Uncertain significance (1 of 4 stars; one submission).

Conditions:
Dilated cardiomyopathy 1G (CMD1G). Identifiers: Orphanet 154, MedGen C1858763, MONDO:0011400, OMIM 604145.
Autosomal recessive limb-girdle muscular dystrophy type 2J (LGMDR10). Also called: Limb-girdle muscular dystrophy, type 2J; MUSCULAR DYSTROPHY, LIMB-GIRDLE, AUTOSOMAL RECESSIVE 10. Identifiers: Orphanet 140922, MedGen C1837342, MONDO:0012127, OMIM 608807.

Allele frequency attached by ClinVar (database versions not stated): gnomAD 0.00001; gnomAD exomes 0.00002.
gnomAD v4.1: 23 of 1,613,890 alleles (0.0014%); highest among the groups gnomAD compares: Non-Finnish European, 0.0019%; no homozygotes.

Submission:

Labcorp Genetics (formerly Invitae), Labcorp
Classification: Uncertain significance for Dilated cardiomyopathy 1G; Autosomal recessive limb-girdle muscular dystrophy type 2J. Last evaluated: 2023-02-23. Review status: criteria provided, single submitter. Criteria: Invitae Variant Classification Sherloc (09022015). Collection method: clinical testing. Allele origin: germline.
Comment: In summary, the available evidence is currently insufficient to determine the role of this variant in disease. Therefore, it has been classified as a Variant of Uncertain Significance. This variant is located in the M band of TTN (PMID: 25589632). Variants in this region may be relevant for neuromuscular disorders, but have not been definitively shown to cause cardiomyopathy (PMID: 23975875). Experimental studies and prediction algorithms are not available or were not evaluated, and the functional significance of this variant is currently unknown. ClinVar contains an entry for this variant (Variation ID: 1418920). This variant has not been reported in the literature in individuals affected with TTN-related conditions. This variant is not present in population databases (gnomAD no frequency). This sequence change replaces lysine, which is basic and polar, with glutamine, which is neutral and polar, at codon 35124 of the TTN protein (p.Lys35124Gln).

Literature cited by the submitters: PubMed 25589632; PubMed 23975875.